The following is an entry in ClinVar:

NM_001267550.2(TTN):c.102182G>A (p.Arg34061His)

Genes: TTN (titin; minus strand), TTN-AS1 (TTN antisense RNA 1; plus strand). Cytogenetic location: 2q31.2.
Variant type: single nucleotide variant.
Coding change: c.102182G>A on transcript NM_001267550.2 (MANE Select); coding-DNA position 102182, G replaced by A.
Protein change: p.Arg34061His; replaces arginine 34061 with histidine.
Molecular consequence: missense variant.
Genome position (GRCh38, 1-based): chr2:178,534,433, C>T on the plus strand (G>A on the coding strand, the complement: TTN is on the minus strand). VCF-style: chr2-178534433-C-T. GRCh37 (hg19) VCF-style: chr2-179399160-C-T.
Other names: p.Arg32420His; c.97259G>A, p.Arg32420His (NM_001256850.1); c.74987G>A, p.Arg24996His (NM_003319.4); c.94478G>A, p.Arg31493His (NM_133378.4); c.75362G>A, p.Arg25121His (NM_133432.3); c.75563G>A, p.Arg25188His (NM_133437.4); short protein forms R34061H, R24996H, R25121H, R32420H, R25188H, R31493H.
Identifiers: ClinVar variation 405156 (VCV000405156.9), dbSNP rs774174825, ClinGen allele CA1985798.

ClinVar aggregate classification (germline): Uncertain significance. Review status: criteria provided, multiple submitters, no conflicts (2 of 4 stars). 4 submissions from 4 submitters: Uncertain significance (4). Last evaluated 2024-04-30.

Conditions:
Cardiovascular phenotype. Identifiers: MedGen CN230736.
Autosomal recessive limb-girdle muscular dystrophy type 2J (LGMDR10). Also called: MUSCULAR DYSTROPHY, LIMB-GIRDLE, AUTOSOMAL RECESSIVE 10; Limb-girdle muscular dystrophy, type 2J. Identifiers: Orphanet 140922, MedGen C1837342, MONDO:0012127, OMIM 608807.
Dilated cardiomyopathy 1G (CMD1G). Identifiers: Orphanet 154, MedGen C1858763, MONDO:0011400, OMIM 604145.
Myopathy, myofibrillar, 9, with early respiratory failure (MFM9). Also called: Myopathy, distal, with early respiratory failure, autosomal dominant; Hereditary myopathy with early respiratory failure; EDSTROM MYOPATHY; MYOPATHY, PROXIMAL, WITH EARLY RESPIRATORY MUSCLE INVOLVEMENT. Identifiers: Orphanet 178464, Orphanet 34521, MedGen C1863599, MONDO:0011362, OMIM 603689.
Tibial muscular dystrophy (TMD). Also called: UDD MYOPATHY; Tibial muscular dystrophy, tardive; Udd Distal Myopathy – Tibial Muscular Dystrophy. Identifiers: Orphanet 609, MedGen C1838244, MONDO:0010870, OMIM 600334.
Early-onset myopathy with fatal cardiomyopathy (CMYO5). Also called: Salih Myopathy; CONGENITAL MYOPATHY 5 WITH CARDIOMYOPATHY. Identifiers: Orphanet 289377, MedGen C2673677, MONDO:0012714, OMIM 611705. Disease mechanism: loss of function.
Hypertrophic cardiomyopathy 9. Also called: Familial hypertrophic cardiomyopathy 9. Identifiers: MedGen C1861065, MONDO:0013412, OMIM 613765.

Allele frequency attached by ClinVar (database versions not stated): ExAC 0.00001; gnomAD exomes 0.00001; TOPMed 0.00002.

Submissions (4):

Fulgent Genetics
Classification: Uncertain significance for Tibial muscular dystrophy; Myopathy, myofibrillar, 9, with early respiratory failure; Dilated cardiomyopathy 1G; Autosomal recessive limb-girdle muscular dystrophy type 2J; Early-onset myopathy with fatal cardiomyopathy; Hypertrophic cardiomyopathy 9. Last evaluated: 2024-04-30. Review status: criteria provided, single submitter. Criteria: ACMG Guidelines, 2015. Collection method: clinical testing. Allele origin: germline.

Mayo Clinic Laboratories, Mayo Clinic
Classification: Uncertain significance. Last evaluated: 2022-08-10. Review status: criteria provided, single submitter. Criteria: ACMG Guidelines, 2015. Collection method: clinical testing. Allele origin: germline. Observed: 1 variant allele.
Comment: PP3

Ambry Genetics
Classification: Uncertain significance for Cardiovascular phenotype. Last evaluated: 2016-06-16. Review status: criteria provided, single submitter. Criteria: Ambry Variant Classification Scheme 2023. Collection method: clinical testing. Allele origin: germline.
Comment: The p.R24996H variant (also known as c.74987G>A), located in coding exon 185 of the TTN gene, results from a G to A substitution at nucleotide position 74987. This alteration is located in the M-band region of the N2-B isoform of the titin protein. The arginine at codon 24996 is replaced by histidine, an amino acid with highly similar properties. Based on data from ExAC, the A allele has an overall frequency of less than 0.01% (1/105531). This variant was not reported in population based cohorts in the following databases: Database of Single Nucleotide Polymorphisms (dbSNP), NHLBI Exome Sequencing Project (ESP), and 1000 Genomes Project. In the ESP, this variant was not observed in 6062 samples (12124 alleles) with coverage at this position. This amino acid position is highly conserved in available vertebrate species. In addition, the in silico prediction for this alteration is inconclusive. Since supporting evidence is limited at this time, the clinical significance of this variant remains unclear.

Labcorp Genetics (formerly Invitae), Labcorp
Classification: Uncertain significance for Dilated cardiomyopathy 1G; Autosomal recessive limb-girdle muscular dystrophy type 2J. Last evaluated: 2016-04-16. Review status: criteria provided, single submitter. Criteria: Invitae Variant Classification Sherloc (09022015). Collection method: clinical testing. Allele origin: germline.